The following is an entry in ClinVar:

ClinVar aggregate classification (germline): Uncertain significance. Review status: criteria provided, multiple submitters, no conflicts (2 of 4 stars). 5 submissions from 5 submitters: Uncertain significance (5). Last evaluated 2025-11-10.

Conditions:
Inborn genetic diseases. Identifiers: MedGen C0950123, MeSH D030342.
Werner syndrome (WRN). Identifiers: Orphanet 902, MedGen C0043119, MONDO:0010196, OMIM 277700.

Allele frequency attached by ClinVar (database versions not stated): ExAC 0.00002; gnomAD exomes 0.00002; TOPMed 0.00003.
gnomAD v4.1: 38 of 1,613,452 alleles (0.0024%); highest among the groups gnomAD compares: Non-Finnish European, 0.0031%; no homozygotes.

Submissions (5):

Labcorp Genetics (formerly Invitae), Labcorp
Classification: Uncertain significance for Werner syndrome. Last evaluated: 2025-11-10. Review status: criteria provided, single submitter. Criteria: Invitae Variant Classification Sherloc (09022015). Collection method: clinical testing. Allele origin: germline.
Comment: This sequence change replaces proline, which is neutral and non-polar, with leucine, which is neutral and non-polar, at codon 489 of the WRN protein (p.Pro489Leu). This variant is present in population databases (rs750052448, gnomAD 0.004%). This variant has not been reported in the literature in individuals affected with WRN-related conditions. ClinVar contains an entry for this variant (Variation ID: 362800). An algorithm developed to predict the effect of missense changes on protein structure and function (PolyPhen-2) suggests that this variant is likely to be tolerated. RNA analysis performed to evaluate the impact of this missense change on mRNA splicing indicates it does not significantly alter splicing (internal data). In summary, the available evidence is currently insufficient to determine the role of this variant in disease. Therefore, it has been classified as a Variant of Uncertain Significance.

Ambry Genetics
Classification: Uncertain significance for Inborn genetic diseases. Last evaluated: 2025-01-17. Review status: criteria provided, single submitter. Criteria: Ambry Variant Classification Scheme 2023. Collection method: clinical testing. Allele origin: germline.

Fulgent Genetics
Classification: Uncertain significance for Werner syndrome. Last evaluated: 2024-03-14. Review status: criteria provided, single submitter. Criteria: ACMG Guidelines, 2015. Collection method: clinical testing. Allele origin: germline.

Institute of Human Genetics, University of Leipzig Medical Center
Classification: Uncertain significance for Werner syndrome. Last evaluated: 2019-01-01. Review status: criteria provided, single submitter. Criteria: ACMG Guidelines, 2015. Collection method: clinical testing. Allele origin: unknown. Affected: yes.

Illumina Laboratory Services, Illumina
Classification: Uncertain significance for Werner syndrome. Last evaluated: 2018-01-12. Review status: criteria provided, single submitter. Criteria: ICSL Variant Classification Criteria 13 December 2019. Collection method: clinical testing. Allele origin: germline.

NM_000553.6(WRN):c.1466C>T (p.Pro489Leu)

Gene: WRN (WRN RecQ like helicase; plus strand). Cytogenetic location: 8p12.
Variant type: single nucleotide variant.
Coding change: c.1466C>T on transcript NM_000553.6 (MANE Select); coding-DNA position 1466, C replaced by T.
Protein change: p.Pro489Leu; replaces proline 489 with leucine.
Molecular consequence: missense variant.
Genome position (GRCh38, 1-based): chr8:31,087,810, C>T. VCF-style: chr8-31087810-C-T. GRCh37 (hg19) VCF-style: chr8-30945326-C-T.
Other names: short protein forms P489L.
Identifiers: ClinVar variation 362800 (VCV000362800.15), dbSNP rs750052448, ClinGen allele CA4704380.